The following is an entry in ClinVar:

ClinVar aggregate classification (germline): Likely benign. Review status: criteria provided, single submitter (1 of 4 stars). 2 submissions from 2 submitters: Likely benign (1). 1 of the submissions does not count toward it. Last evaluated 2025-07-27.

Conditions:
STAT1-related disorder. Also called: STAT1-related condition.
Immunodeficiency 31B. Also called: IMMUNODEFICIENCY 31B, MYCOBACTERIAL AND VIRAL INFECTIONS, AUTOSOMAL RECESSIVE; STAT1 DEFICIENCY, AUTOSOMAL RECESSIVE. Identifiers: Orphanet 391311, MedGen C3151088, MONDO:0013427, OMIM 613796.
Autoimmune enteropathy and endocrinopathy - susceptibility to chronic infections syndrome. Also called: Immunodeficiency 31C; Immunodeficiency 31C, autosomal dominant. Identifiers: Orphanet 391487, MedGen C3279990, MONDO:0013599, OMIM 614162.
Mendelian susceptibility to mycobacterial diseases due to partial STAT1 deficiency. Also called: IMMUNODEFICIENCY 31A, MYCOBACTERIOSIS, AUTOSOMAL DOMINANT; STAT1 DEFICIENCY, AUTOSOMAL DOMINANT; Immunodeficiency 31a. Identifiers: Orphanet 319595, MedGen C4013950, MONDO:0013956, OMIM 614892.

Allele frequency attached by ClinVar (database versions not stated): ESP Exome Variant Server 0.00008; TOPMed 0.00003; gnomAD 0.00001; ExAC 0.00002; gnomAD exomes 0.00001.
gnomAD v4.1: 10 of 1,614,000 alleles (0.00062%); highest among the groups gnomAD compares: African/African-American, 0.0027%; no homozygotes.

Submissions (2):

Labcorp Genetics (formerly Invitae), Labcorp
Classification: Likely benign for Mendelian susceptibility to mycobacterial diseases due to partial STAT1 deficiency; Immunodeficiency 31B; Autoimmune enteropathy and endocrinopathy - susceptibility to chronic infections syndrome. Last evaluated: 2025-07-27. Review status: criteria provided, single submitter. Criteria: Invitae Variant Classification Sherloc (09022015). Collection method: clinical testing. Allele origin: germline.

PreventionGenetics, part of Exact Sciences
Classification: Likely benign for STAT1-related condition. Last evaluated: 2023-10-03. Review status: no assertion criteria provided. Collection method: clinical testing. Allele origin: germline. Not counted in ClinVar's aggregate classification.
Comment: This variant is classified as likely benign based on ACMG/AMP sequence variant interpretation guidelines (Richards et al. 2015 PMID: 25741868, with internal and published modifications).

NM_007315.4(STAT1):c.1845A>G (p.Thr615=)

Gene: STAT1 (signal transducer and activator of transcription 1; minus strand). Cytogenetic location: 2q32.2.
Variant type: single nucleotide variant.
Coding change: c.1845A>G on transcript NM_007315.4 (MANE Select); coding-DNA position 1845, A replaced by G.
Protein change: p.Thr615=; no amino-acid change (threonine 615 retained).
Molecular consequence: synonymous variant.
Genome position (GRCh38, 1-based): chr2:190,978,884, T>C on the plus strand (A>G on the coding strand, the complement: STAT1 is on the minus strand). VCF-style: chr2-190978884-T-C. GRCh37 (hg19) VCF-style: chr2-191843610-T-C.
Other names: c.1785A>G, p.Thr595= (NM_001384880.1); c.1851A>G, p.Thr617= (NM_001384881.1, NM_001384884.1); c.1839A>G, p.Thr613= (NM_001384882.1); c.1746A>G, p.Thr582= (NM_001384883.1); c.1686A>G, p.Thr562= (NM_001384885.1); c.1845A>G, p.Thr615= (NM_001384886.1, NM_001384889.1, NM_139266.3); c.1752A>G, p.Thr584= (NM_001384887.1); c.1815A>G, p.Thr605= (NM_001384888.1); and 2 more.
Identifiers: ClinVar variation 3029783 (VCV003029783.3), dbSNP rs376916250, ClinGen allele CA2029806.